The following is an entry in ClinVar:

NM_020686.6(ABAT):c.1239G>C (p.Lys413Asn)

Gene: ABAT (4-aminobutyrate aminotransferase; plus strand). Cytogenetic location: 16p13.2.
Variant type: single nucleotide variant.
Coding change: c.1239G>C on transcript NM_020686.6 (MANE Select); coding-DNA position 1239, G replaced by C.
Protein change: p.Lys413Asn; replaces lysine 413 with asparagine.
Molecular consequence: missense variant.
Genome position (GRCh38, 1-based): chr16:8,776,460, G>C. VCF-style: chr16-8776460-G-C. GRCh37 (hg19) VCF-style: chr16-8870317-G-C.
Other names: c.1239G>C, p.Lys413Asn (NM_000663.5, NM_001127448.2, NM_001386600.1 and 6 more transcripts); c.1200G>C, p.Lys400Asn (NM_001386605.1); c.1176G>C, p.Lys392Asn (NM_001386606.1, NM_001386607.1); c.1146G>C, p.Lys382Asn (NM_001386608.1); c.1104G>C, p.Lys368Asn (NM_001386610.1, NM_001386611.1); c.1041G>C, p.Lys347Asn (NM_001386612.1, NM_001386613.1); c.993G>C, p.Lys331Asn (NM_001386614.1); c.1335G>C, p.Lys445Asn (NM_001386615.1); short protein forms K382N, K392N, K413N, K445N, K331N, K347N, K368N, K400N.
Identifiers: ClinVar variation 1514534 (VCV001514534.5), dbSNP rs2060265382, ClinGen allele CA394690382.

ClinVar aggregate classification (germline): Uncertain significance (1 of 4 stars; one submission).

Conditions:
Gamma-aminobutyric acid transaminase deficiency (GABATD). Also called: GABA transaminase deficiency; Gamma aminobutyrate transaminase deficiency; 4 alpha aminobutyrate transaminase deficiency; GABA aminotransaminase deficiency. Identifiers: Orphanet 2066, MedGen C0342708, MONDO:0013166, OMIM 613163.

Allele frequency attached by ClinVar (database versions not stated): gnomAD 0.00001.
gnomAD v4.1: 2 of 1,614,052 alleles (0.00012%); highest among the groups gnomAD compares: Non-Finnish European, 0.000085%; no homozygotes.

Submission:

Labcorp Genetics (formerly Invitae), Labcorp
Classification: Uncertain significance for Gamma-aminobutyric acid transaminase deficiency. Last evaluated: 2024-05-15. Review status: criteria provided, single submitter. Criteria: Invitae Variant Classification Sherloc (09022015). Collection method: clinical testing. Allele origin: germline.
Comment: This sequence change replaces lysine, which is basic and polar, with asparagine, which is neutral and polar, at codon 413 of the ABAT protein (p.Lys413Asn). This variant is not present in population databases (gnomAD no frequency). This variant has not been reported in the literature in individuals affected with ABAT-related conditions. ClinVar contains an entry for this variant (Variation ID: 1514534). Advanced modeling of protein sequence and biophysical properties (such as structural, functional, and spatial information, amino acid conservation, physicochemical variation, residue mobility, and thermodynamic stability) performed at Invitae indicates that this missense variant is not expected to disrupt ABAT protein function with a negative predictive value of 80%. In summary, the available evidence is currently insufficient to determine the role of this variant in disease. Therefore, it has been classified as a Variant of Uncertain Significance.